The following is an entry in ClinVar:

ClinVar aggregate classification (germline): Uncertain significance (1 of 4 stars; one submission).

gnomAD v4.1: 2 of 1,613,990 alleles (0.00012%); highest among the groups gnomAD compares: Middle Eastern, 0.016%; no homozygotes.

Submission:

GeneDx
Classification: Uncertain significance. Last evaluated: 2025-05-27. Review status: criteria provided, single submitter. Criteria: GeneDx Variant Classification Process June 2021. Collection method: clinical testing. Allele origin: germline. Affected: yes.
Comment: Not observed at significant frequency in large population cohorts (gnomAD); In silico analysis suggests that this missense variant does not alter protein structure/function; Has not been previously published as pathogenic or benign to our knowledge

NM_001999.4(FBN2):c.8269C>G (p.Leu2757Val)

Gene: FBN2 (fibrillin 2; minus strand). Cytogenetic location: 5q23.3.
Variant type: single nucleotide variant.
Coding change: c.8269C>G on transcript NM_001999.4 (MANE Select); coding-DNA position 8269, C replaced by G.
Protein change: p.Leu2757Val; replaces leucine 2757 with valine.
Molecular consequence: missense variant.
Genome position (GRCh38, 1-based): chr5:128,261,831, G>C on the plus strand (C>G on the coding strand, the complement: FBN2 is on the minus strand). VCF-style: chr5-128261831-G-C. GRCh37 (hg19) VCF-style: chr5-127597523-G-C.
Other names: short protein forms L2757V.
Identifiers: ClinVar variation 4532543 (VCV004532543.1).